The following is an entry in ClinVar:

ClinVar aggregate classification (germline): Uncertain significance (1 of 4 stars; one submission).

Conditions:
Inborn genetic diseases. Identifiers: MedGen C0950123, MeSH D030342.

Submission:

Ambry Genetics
Classification: Uncertain significance for Inborn genetic diseases. Last evaluated: 2025-09-27. Review status: criteria provided, single submitter. Criteria: Ambry Variant Classification Scheme 2023. Collection method: clinical testing. Allele origin: germline.
Comment: The p.G10C variant (also known as c.28G>T), located in coding exon 1 of the AKT1 gene, results from a G to T substitution at nucleotide position 28. The glycine at codon 10 is replaced by cysteine, an amino acid with highly dissimilar properties. This amino acid position is conserved. In addition, the in silico prediction for this alteration is inconclusive. Based on the available evidence, the clinical significance of this variant remains unclear.

NM_001382430.1(AKT1):c.28G>T (p.Gly10Cys)

Gene: AKT1 (AKT serine/threonine kinase 1; minus strand). Cytogenetic location: 14q32.33.
Variant type: single nucleotide variant.
Coding change: c.28G>T on transcript NM_001382430.1 (MANE Select); coding-DNA position 28, G replaced by T.
Protein change: p.Gly10Cys; replaces glycine 10 with cysteine.
Molecular consequence: missense variant.
Genome position (GRCh38, 1-based): chr14:104,792,616, C>A on the plus strand (G>T on the coding strand, the complement: AKT1 is on the minus strand). VCF-style: chr14-104792616-C-A. GRCh37 (hg19) VCF-style: chr14-105258953-C-A.
Other names: c.28G>T, p.Gly10Cys (NM_001014431.2, NM_001014432.2, NM_001382431.1 and 3 more transcripts); short protein forms G10C.
Identifiers: ClinVar variation 4573936 (VCV004573936.1).